The following is an entry in ClinVar:

ClinVar aggregate classification (germline): Uncertain significance (1 of 4 stars; one submission).

Submission:

Labcorp Genetics (formerly Invitae), Labcorp
Classification: Uncertain significance. Last evaluated: 2024-08-19. Review status: criteria provided, single submitter. Criteria: Invitae Variant Classification Sherloc (09022015). Collection method: clinical testing. Allele origin: germline.
Comment: This sequence change replaces threonine, which is neutral and polar, with alanine, which is neutral and non-polar, at codon 178 of the CREB3L1 protein (p.Thr178Ala). This variant is not present in population databases (gnomAD no frequency). This variant has not been reported in the literature in individuals affected with CREB3L1-related conditions. ClinVar contains an entry for this variant (Variation ID: 1366867). An algorithm developed to predict the effect of missense changes on protein structure and function outputs the following: PolyPhen-2: "Benign". The alanine amino acid residue is found in multiple mammalian species, which suggests that this missense change does not adversely affect protein function. In summary, the available evidence is currently insufficient to determine the role of this variant in disease. Therefore, it has been classified as a Variant of Uncertain Significance.

NM_052854.4(CREB3L1):c.532A>G (p.Thr178Ala)

Gene: CREB3L1 (cAMP responsive element binding protein 3 like 1; plus strand). Cytogenetic location: 11p11.2.
Variant type: single nucleotide variant.
Coding change: c.532A>G on transcript NM_052854.4 (MANE Select); coding-DNA position 532, A replaced by G.
Protein change: p.Thr178Ala; replaces threonine 178 with alanine.
Molecular consequence: missense variant.
Genome position (GRCh38, 1-based): chr11:46,310,004, A>G. VCF-style: chr11-46310004-A-G. GRCh37 (hg19) VCF-style: chr11-46331555-A-G.
Other names: short protein forms T178A.
Identifiers: ClinVar variation 1366867 (VCV001366867.8), dbSNP rs1590349304, ClinGen allele CA380217808.